The following is an entry in ClinVar:

ClinVar aggregate classification (germline): Uncertain significance. Review status: criteria provided, multiple submitters, no conflicts (2 of 4 stars). 3 submissions from 3 submitters: Uncertain significance (3). Last evaluated 2025-05-22.

Conditions:
Catecholaminergic polymorphic ventricular tachycardia 1. Also called: VENTRICULAR TACHYCARDIA, STRESS-INDUCED POLYMORPHIC 1; VENTRICULAR TACHYCARDIA, CATECHOLAMINERGIC POLYMORPHIC, 1, WITH OR WITHOUT ATRIAL DYSFUNCTION AND/OR DILATED CARDIOMYOPATHY; RYR2-Related Catecholaminergic Polymorphic Ventricular Tachycardia. Identifiers: Orphanet 3286, MedGen C1631597, MONDO:0011484, OMIM 604772.
Ventricular arrhythmias due to cardiac ryanodine receptor calcium release deficiency syndrome. Also called: Autosomal dominant cardiac arrhythmia (Kuhn). Identifiers: MedGen C5542154, MONDO:0020745, OMIM 115000.
Arrhythmogenic right ventricular dysplasia 2. Identifiers: MedGen C1832931.

Allele frequency attached by ClinVar (database versions not stated): gnomAD exomes below 0.00001; TOPMed below 0.00001; ExAC 0.00001; gnomAD 0.00001.
gnomAD v4.1: 1 of 1,613,718 alleles (0.000062%); highest among the groups gnomAD compares: Non-Finnish European, 0.000085%; no homozygotes.

Submissions (3):

Labcorp Genetics (formerly Invitae), Labcorp
Classification: Uncertain significance for Catecholaminergic polymorphic ventricular tachycardia 1. Last evaluated: 2025-05-22. Review status: criteria provided, single submitter. Criteria: Invitae Variant Classification Sherloc (09022015). Collection method: clinical testing. Allele origin: germline.
Comment: This sequence change replaces histidine, which is basic and polar, with tyrosine, which is neutral and polar, at codon 270 of the RYR2 protein (p.His270Tyr). This variant is present in population databases (rs745558219, gnomAD 0.0009%). This variant has not been reported in the literature in individuals affected with RYR2-related conditions. ClinVar contains an entry for this variant (Variation ID: 1677954). Invitae Evidence Modeling of protein sequence and biophysical properties (such as structural, functional, and spatial information, amino acid conservation, physicochemical variation, residue mobility, and thermodynamic stability) indicates that this missense variant is not expected to disrupt RYR2 protein function with a negative predictive value of 95%. In summary, the available evidence is currently insufficient to determine the role of this variant in disease. Therefore, it has been classified as a Variant of Uncertain Significance.

AiLife Diagnostics
Classification: Uncertain significance. Last evaluated: 2022-02-21. Review status: criteria provided, single submitter. Criteria: ACMG Guidelines, 2015. Collection method: clinical testing. Allele origin: germline. Affected: yes. Observed: 1 variant allele.

Fulgent Genetics
Classification: Uncertain significance for Ventricular arrhythmias due to cardiac ryanodine receptor calcium release deficiency syndrome; Catecholaminergic polymorphic ventricular tachycardia 1. Last evaluated: 2021-08-10. Review status: criteria provided, single submitter. Criteria: ACMG Guidelines, 2015. Collection method: clinical testing. Allele origin: unknown.

NM_001035.3(RYR2):c.808C>T (p.His270Tyr)

Gene: RYR2 (ryanodine receptor 2; plus strand). Cytogenetic location: 1q43.
Variant type: single nucleotide variant.
Coding change: c.808C>T on transcript NM_001035.3 (MANE Select); coding-DNA position 808, C replaced by T.
Protein change: p.His270Tyr; replaces histidine 270 with tyrosine.
Molecular consequence: missense variant.
Genome position (GRCh38, 1-based): chr1:237,417,083, C>T. VCF-style: chr1-237417083-C-T. GRCh37 (hg19) VCF-style: chr1-237580383-C-T.
Other names: short protein forms H270Y.
Identifiers: ClinVar variation 1677954 (VCV001677954.5), dbSNP rs745558219, ClinGen allele CA087563.